The following is an entry in ClinVar:

ClinVar aggregate classification (germline): Conflicting classifications of pathogenicity. Review status: criteria provided, conflicting classifications (1 of 4 stars). 4 submissions from 4 submitters: Uncertain significance (2); Likely benign (1). 1 of the submissions does not count toward it. Last evaluated 2026-04-08.

Conditions:
Primary ciliary dyskinesia. Also called: Ciliary dyskinesia. Identifiers: Orphanet 244, MedGen C0008780, MONDO:0016575, HP:0012265.
Primary ciliary dyskinesia 3. Identifiers: Orphanet 244, MedGen C1837618, MONDO:0012085, OMIM 608644.

Allele frequency attached by ClinVar (database versions not stated): ExAC 0.00001; gnomAD 0.00001; TOPMed 0.00001; ESP Exome Variant Server 0.00015.
gnomAD v4.1: 4 of 1,613,690 alleles (0.00025%); highest among the groups gnomAD compares: African/African-American, 0.004%; no homozygotes.

Submissions (4):

Myriad Genetics, Inc.
Classification: Uncertain significance for Primary ciliary dyskinesia 3. Last evaluated: 2026-04-08. Review status: criteria provided, single submitter. Criteria: Myriad Autosomal Dominant, Autosomal Recessive and X-Linked Classification Criteria (2023). Collection method: clinical testing. Allele origin: unknown.
Comment: NM_001369.2(DNAH5):c.257A>G(D86G) is a missense variant classified as a variant of uncertain significance in the context of primary ciliary dyskinesia, DNAH5-related. D86G has not been observed in cases with relevant disease. Relevant functional assessments of this variant are not available in the literature. D86G has been observed in referenced population frequency databases. In summary, there is insufficient evidence to classify NM_001369.2(DNAH5):c.257A>G(D86G) as pathogenic or benign. Please note: this variant was assessed in the context of healthy population screening.

Labcorp Genetics (formerly Invitae), Labcorp
Classification: Likely benign for Primary ciliary dyskinesia. Last evaluated: 2023-04-26. Review status: criteria provided, single submitter. Criteria: Invitae Variant Classification Sherloc (09022015). Collection method: clinical testing. Allele origin: germline.

Ambry Genetics
Classification: Uncertain significance for Primary ciliary dyskinesia. Last evaluated: 2022-12-01. Review status: criteria provided, single submitter. Criteria: Ambry Variant Classification Scheme 2023. Collection method: clinical testing. Allele origin: germline.

Natera, Inc.
Classification: Uncertain significance for Primary ciliary dyskinesia. Last evaluated: 2021-07-12. Review status: no assertion criteria provided. Collection method: clinical testing. Allele origin: germline. Not counted in ClinVar's aggregate classification.

NM_001369.3(DNAH5):c.257A>G (p.Asp86Gly)

Gene: DNAH5 (dynein axonemal heavy chain 5; minus strand). Cytogenetic location: 5p15.2.
Variant type: single nucleotide variant.
Coding change: c.257A>G on transcript NM_001369.3 (MANE Select); coding-DNA position 257, A replaced by G.
Protein change: p.Asp86Gly; replaces aspartic acid 86 with glycine.
Molecular consequence: missense variant.
Genome position (GRCh38, 1-based): chr5:13,928,114, T>C on the plus strand (A>G on the coding strand, the complement: DNAH5 is on the minus strand). VCF-style: chr5-13928114-T-C. GRCh37 (hg19) VCF-style: chr5-13928223-T-C.
Other names: short protein forms D86G.
Identifiers: ClinVar variation 407257 (VCV000407257.15), dbSNP rs147441805, ClinGen allele CA3205240.